The following is an entry in ClinVar:

NM_000540.3(RYR1):c.3930A>C (p.Ala1310=)

Gene: RYR1 (ryanodine receptor 1; plus strand). Cytogenetic location: 19q13.2.
Variant type: single nucleotide variant.
Coding change: c.3930A>C on transcript NM_000540.3 (MANE Select); coding-DNA position 3930, A replaced by C.
Protein change: p.Ala1310=; no amino-acid change (alanine 1310 retained).
Molecular consequence: synonymous variant.
Genome position (GRCh38, 1-based): chr19:38,473,541, A>C. VCF-style: chr19-38473541-A-C. GRCh37 (hg19) VCF-style: chr19-38964181-A-C.
Other names: c.3930A>C, p.Ala1310= (NM_001042723.2).
Identifiers: ClinVar variation 2883298 (VCV002883298.5), dbSNP rs907198537, ClinGen allele CA308079685.

ClinVar aggregate classification (germline): Conflicting classifications of pathogenicity. Review status: criteria provided, conflicting classifications (1 of 4 stars). 2 submissions from 2 submitters: Uncertain significance (1); Likely benign (1). Last evaluated 2025-05-23.

Conditions:
Malignant hyperthermia, susceptibility to, 1 (MHS1). Also called: Anesthesia related hyperthermia; Malignant hyperpyrexia; Fulminating hyperpyrexia; Pharmacogenic myopathy; RYR1-Related Malignant Hyperthermia Susceptibility; Malignant hyperthermia suceptibility 1. Identifiers: Orphanet 423, MedGen C2930980, MONDO:0007783, OMIM 145600.
RYR1-related disorder. Also called: RYR1-related condition; RYR1-related disorders. Identifiers: MedGen CN239331.

Submissions (2):

Labcorp Genetics (formerly Invitae), Labcorp
Classification: Likely benign for RYR1-related disorder. Last evaluated: 2025-05-23. Review status: criteria provided, single submitter. Criteria: Invitae Variant Classification Sherloc (09022015). Collection method: clinical testing. Allele origin: germline.

All of Us Research Program, National Institutes of Health
Classification: Uncertain significance for Malignant hyperthermia, susceptibility to, 1. Last evaluated: 2024-05-14. Review status: criteria provided, single submitter. Criteria: ACMG Guidelines, 2015. Collection method: clinical testing. Allele origin: germline. Inheritance: Autosomal dominant inheritance. Observed: 3 variant alleles, 3 heterozygotes.
Comment: This variant is located in the RYR1 protein. To our knowledge, functional studies have not been reported for this variant. This variant has not been reported in individuals affected with RYR1-related disorders in the literature. This variant has not been identified in the general population by the Genome Aggregation Database (gnomAD). The available evidence is insufficient to determine the role of this variant in disease conclusively. Therefore, this variant is classified as a Variant of Uncertain Significance.

This study involves interpretation of variants in research participants for the purpose of population health screening. Participant phenotype was not available at the time of variant classification. Additional details can be found in publication PMID: 35346344, PMCID: PMC8962531